The following is an entry in ClinVar:

ClinVar aggregate classification (germline): Pathogenic. Review status: criteria provided, multiple submitters, no conflicts (2 of 4 stars). 2 submissions from 2 submitters: Pathogenic (2). Last evaluated 2025-12-07.

Conditions:
Dystonic disorder. Also called: Dystonia. Identifiers: MedGen C0013421, MONDO:0003441, HP:0001332.
Dopa-responsive dystonia due to sepiapterin reductase deficiency. Also called: DYT-SPR; SPR DEFICIENCY; Sepiapterin reductase deficiency. Identifiers: Orphanet 70594, MedGen C0268468, MONDO:0012994, OMIM 612716.

Allele frequency attached by ClinVar (database versions not stated): gnomAD exomes below 0.00001.

Submissions (2):

Labcorp Genetics (formerly Invitae), Labcorp
Classification: Pathogenic for Dystonic disorder. Last evaluated: 2025-12-07. Review status: criteria provided, single submitter. Criteria: Invitae Variant Classification Sherloc (09022015). Collection method: clinical testing. Allele origin: germline.
Comment: This sequence change creates a premature translational stop signal (p.Gln182*) in the SPR gene. It is expected to result in an absent or disrupted protein product. Loss-of-function variants in SPR are known to be pathogenic (PMID: 22522443). This variant is not present in population databases (gnomAD no frequency). This variant has not been reported in the literature in individuals affected with SPR-related conditions. ClinVar contains an entry for this variant (Variation ID: 1323647). For these reasons, this variant has been classified as Pathogenic.

Revvity Omics, Revvity
Classification: Pathogenic for Dopa-responsive dystonia due to sepiapterin reductase deficiency. Last evaluated: 2019-01-18. Review status: criteria provided, single submitter. Criteria: ACMG Guidelines, 2015. Collection method: clinical testing. Allele origin: germline.

Literature cited by the submitters: PubMed 22522443 (cited by Labcorp Genetics (formerly Invitae), Labcorp).

NM_003124.5(SPR):c.544C>T (p.Gln182Ter)

Gene: SPR (sepiapterin reductase; plus strand). Cytogenetic location: 2p13.2.
Variant type: single nucleotide variant.
Coding change: c.544C>T on transcript NM_003124.5 (MANE Select); coding-DNA position 544, C replaced by T.
Protein change: p.Gln182Ter; replaces glutamine 182 with a stop codon.
Molecular consequence: nonsense.
Genome position (GRCh38, 1-based): chr2:72,888,553, C>T. VCF-style: chr2-72888553-C-T. GRCh37 (hg19) VCF-style: chr2-73115682-C-T.
Other names: short protein forms Q182*.
Identifiers: ClinVar variation 1323647 (VCV001323647.5), dbSNP rs2105241166, ClinGen allele CA347232031.
Genomic context (GRCh38, chr2:72,888,553, plus strand): 5'-CAACCTTTCAAAGGCTGGGCGCTGTACTGTGCAGGAAAGGCTGCTCGTGATATGCTGTTC[C>T]AGGTCCTGGCGCTGGAGGAACCTAATGTGAGGGTGCTGAACTATGCCCCAGGTAGGTGGG-3'